The following is an entry in ClinVar:

NM_006204.4(PDE6C):c.1379_1380delinsTG (p.Thr460Met)

Gene: PDE6C (phosphodiesterase 6C; plus strand). Cytogenetic location: 10q23.33.
Variant type: Indel.
Coding change: c.1379_1380delinsTG on transcript NM_006204.4 (MANE Select); coding-DNA positions 1379 to 1380, CC replaced by TG.
Protein change: p.Thr460Met; replaces threonine 460 with methionine.
Molecular consequence: missense variant.
Genome position (GRCh38, 1-based): chr10:93,635,606-93,635,607, CC replaced by TG. VCF-style: chr10-93635606-CC-TG. GRCh37 (hg19) VCF-style: chr10-95395363-CC-TG.
Other names: short protein forms T460M.
Identifiers: ClinVar variation 1036516 (VCV001036516.7), dbSNP rs2058525039, ClinGen allele CA1928710964.

ClinVar aggregate classification (germline): Uncertain significance (1 of 4 stars; one submission).

Submission:

Labcorp Genetics (formerly Invitae), Labcorp
Classification: Uncertain significance. Last evaluated: 2022-07-27. Review status: criteria provided, single submitter. Criteria: Invitae Variant Classification Sherloc (09022015). Collection method: clinical testing. Allele origin: germline.
Comment: This sequence change replaces threonine, which is neutral and polar, with methionine, which is neutral and non-polar, at codon 460 of the PDE6C protein (p.Thr460Met). This variant is present in population databases (no rsID available, gnomAD 0.6%). This variant has not been reported in the literature in individuals affected with PDE6C-related conditions. ClinVar contains an entry for this variant (Variation ID: 1036516). Algorithms developed to predict the effect of missense changes on protein structure and function are either unavailable or do not agree on the potential impact of this missense change (SIFT: "Not Available"; PolyPhen-2: "Benign"; Align-GVGD: "Not Available"). In summary, the available evidence is currently insufficient to determine the role of this variant in disease. Therefore, it has been classified as a Variant of Uncertain Significance.